The following is an entry in ClinVar:

ClinVar aggregate classification (germline): Likely benign. Review status: criteria provided, multiple submitters, no conflicts (2 of 4 stars). 3 submissions from 3 submitters: Likely benign (2). 1 of the submissions does not count toward it. Last evaluated 2024-11-25.

Conditions:
TEX14-related disorder. Also called: TEX14-related condition.

Allele frequency attached by ClinVar (database versions not stated): 1000 Genomes Project 30x 0.00078; 1000 Genomes Project 0.00080; ESP Exome Variant Server 0.00100; gnomAD 0.00110; TOPMed 0.00124.
gnomAD v4.1: 1,642 of 1,612,302 alleles (0.1%); highest among the groups gnomAD compares: Middle Eastern, 0.14%; 4 homozygotes.

Submissions (3):

Blueprint Genetics
Classification: Likely benign. Last evaluated: 2024-11-25. Review status: criteria provided, single submitter. Criteria: ACMG Guidelines, 2015. Collection method: clinical testing. Allele origin: germline.

CeGaT Center for Human Genetics Tuebingen
Classification: Likely benign. Last evaluated: 2023-06-01. Review status: criteria provided, single submitter. Criteria: CeGaT Center For Human Genetics Tuebingen Variant Classification Criteria Version 2. Collection method: clinical testing. Allele origin: germline. Affected: yes. Observed: 1 variant allele.
Comment: TEX14: BP4

PreventionGenetics, part of Exact Sciences
Classification: Likely benign for TEX14-related condition. Last evaluated: 2024-09-03. Review status: no assertion criteria provided. Collection method: clinical testing. Allele origin: germline. Not counted in ClinVar's aggregate classification.
Comment: This variant is classified as likely benign based on ACMG/AMP sequence variant interpretation guidelines (Richards et al. 2015 PMID: 25741868, with internal and published modifications).

NM_031272.5(TEX14):c.3717+7A>G

Gene: TEX14 (testis expressed 14, intercellular bridge forming factor; minus strand). Cytogenetic location: 17q22.
Variant type: single nucleotide variant.
Coding change: c.3717+7A>G on transcript NM_031272.5 (MANE Select); 7 bases into the intron after coding-DNA position 3717, A replaced by G.
Molecular consequence: intron variant.
Genome position (GRCh38, 1-based): chr17:58,571,914, T>C on the plus strand (A>G on the coding strand, the complement: TEX14 is on the minus strand). VCF-style: chr17-58571914-T-C. GRCh37 (hg19) VCF-style: chr17-56649275-T-C.
Other names: c.3837+7A>G (NM_198393.3, NM_198393.4); c.3855+7A>G (NM_001201457.2).
Identifiers: ClinVar variation 2570992 (VCV002570992.28), dbSNP rs192369207, ClinGen allele CA8675704.
Genomic context (GRCh38, chr17:58,571,914, plus strand): 5'-GCAGTTTGGGTCACTGGGCCCTTTGGGCTGACTCCATGAGTTTGTAACGTGGAATTGATA[T>C]ACTTACAAGACCAGTCAGTCTTGAAGGGGGAGTTTCAGAGGAAGTAAGGAGAGAATCCAG-3'